The following is an entry in ClinVar:

NM_017617.5(NOTCH1):c.4680C>G (p.Asp1560Glu)

Gene: NOTCH1 (notch receptor 1; minus strand). Cytogenetic location: 9q34.3.
Variant type: single nucleotide variant.
Coding change: c.4680C>G on transcript NM_017617.5 (MANE Select); coding-DNA position 4680, C replaced by G.
Protein change: p.Asp1560Glu; replaces aspartic acid 1560 with glutamic acid.
Molecular consequence: missense variant.
Genome position (GRCh38, 1-based): chr9:136,505,011, G>C on the plus strand (C>G on the coding strand, the complement: NOTCH1 is on the minus strand). VCF-style: chr9-136505011-G-C. GRCh37 (hg19) VCF-style: chr9-139399463-G-C.
Other names: short protein forms D1560E.
Identifiers: ClinVar variation 1712179 (VCV001712179.2), dbSNP rs2133337441, ClinGen allele CA375645568.

ClinVar aggregate classification (germline): Uncertain significance (1 of 4 stars; one submission).

Submission:

GeneDx
Classification: Uncertain significance. Last evaluated: 2022-04-21. Review status: criteria provided, single submitter. Criteria: GeneDx Variant Classification Process June 2021. Collection method: clinical testing. Allele origin: germline. Affected: yes.
Comment: Not observed at significant frequency in large population cohorts (gnomAD); In silico analysis supports that this missense variant has a deleterious effect on protein structure/function; Has not been previously published as pathogenic or benign to our knowledge